The following is an entry in ClinVar:

ClinVar aggregate classification (germline): Pathogenic (1 of 4 stars; one submission).

Submission:

ISCA site 17
Classification: Pathogenic. Last evaluated: 2011-08-12. Review status: criteria provided, single submitter. Criteria: Kaminsky et al. (Genet Med. 2011). Collection method: clinical testing. Allele origin: unknown. Affected: yes. Observed: 1 variant allele.
Comment: Copy number variation identified through the course of routine clinical cytogenomic testing in postnatal populations. Clinical assertions have been curated as described in Kaminsky et al. 2011.

GRCh38/hg38 10p12.1-11.23(chr10:27767970-30046085)x3

Genes: BAMBI (BMP and activin membrane bound inhibitor; plus strand), C10orf126 (chromosome 10 open reading frame 126; plus strand), JCAD (junctional cadherin 5 associated; minus strand), LINC00837 (long independently transcribed non-coding RNA 837; minus strand), LINC01517 (long independently transcribed non-coding RNA 1517; plus strand) and 48 more. Cytogenetic location: 10p12.1-11.23.
Variant type: copy number gain.
Change: copy number 3 (three copies instead of two) of chr10:27,767,970-30,046,085 (2.28 Mb, GRCh38 coordinates, 1-based), cytogenetic band 10p12.1-11.23.
Identifiers: ClinVar variation 59700 (VCV000059700.1).